The following is an entry in ClinVar:

ClinVar aggregate classification (germline): Uncertain significance (1 of 4 stars; one submission).

gnomAD v4.1: 2 of 1,550,962 alleles (0.00013%); highest among the groups gnomAD compares: Admixed American, 0.0039%; no homozygotes.

Submission:

Labcorp Genetics (formerly Invitae), Labcorp
Classification: Uncertain significance. Last evaluated: 2022-05-17. Review status: criteria provided, single submitter. Criteria: Invitae Variant Classification Sherloc (09022015). Collection method: clinical testing. Allele origin: germline.
Comment: This sequence change replaces valine, which is neutral and non-polar, with leucine, which is neutral and non-polar, at codon 834 of the EYS protein (p.Val834Leu). This variant is not present in population databases (gnomAD no frequency). This variant has not been reported in the literature in individuals affected with EYS-related conditions. Algorithms developed to predict the effect of missense changes on protein structure and function (SIFT, PolyPhen-2, Align-GVGD) all suggest that this variant is likely to be tolerated. In summary, the available evidence is currently insufficient to determine the role of this variant in disease. Therefore, it has been classified as a Variant of Uncertain Significance.

NM_001142800.2(EYS):c.2500G>T (p.Val834Leu)

Gene: EYS (eyes shut homolog; minus strand). Cytogenetic location: 6q12.
Variant type: single nucleotide variant.
Coding change: c.2500G>T on transcript NM_001142800.2 (MANE Select); coding-DNA position 2500, G replaced by T.
Protein change: p.Val834Leu; replaces valine 834 with leucine.
Molecular consequence: missense variant.
Genome position (GRCh38, 1-based): chr6:64,912,625, C>A on the plus strand (G>T on the coding strand, the complement: EYS is on the minus strand). VCF-style: chr6-64912625-C-A. GRCh37 (hg19) VCF-style: chr6-65622518-C-A.
Other names: c.2500G>T, p.Val834Leu (NM_001292009.2); short protein forms V834L.
Identifiers: ClinVar variation 1397098 (VCV001397098.4), dbSNP rs112464110, ClinGen allele CA364786376.